The following is an entry in ClinVar:

ClinVar aggregate classification (germline): Uncertain significance. Review status: criteria provided, single submitter (1 of 4 stars). 2 submissions from 2 submitters: Uncertain significance (1). 1 of the submissions does not count toward it. Last evaluated 2024-06-29.

Conditions:
KMT2E-related disorder. Also called: KMT2E-related condition.

Submissions (2):

Labcorp Genetics (formerly Invitae), Labcorp
Classification: Uncertain significance. Last evaluated: 2024-06-29. Review status: criteria provided, single submitter. Criteria: Invitae Variant Classification Sherloc (09022015). Collection method: clinical testing. Allele origin: germline.
Comment: This sequence change replaces serine, which is neutral and polar, with asparagine, which is neutral and polar, at codon 85 of the KMT2E protein (p.Ser85Asn). This variant is not present in population databases (gnomAD no frequency). This variant has not been reported in the literature in individuals affected with KMT2E-related conditions. Advanced modeling of protein sequence and biophysical properties (such as structural, functional, and spatial information, amino acid conservation, physicochemical variation, residue mobility, and thermodynamic stability) performed at Invitae indicates that this missense variant is not expected to disrupt KMT2E protein function with a negative predictive value of 80%. In summary, the available evidence is currently insufficient to determine the role of this variant in disease. Therefore, it has been classified as a Variant of Uncertain Significance.

PreventionGenetics, part of Exact Sciences
Classification: Uncertain significance for KMT2E-related condition. Last evaluated: 2024-07-06. Review status: no assertion criteria provided. Collection method: clinical testing. Allele origin: germline. Not counted in ClinVar's aggregate classification.
Comment: The KMT2E c.254G>A variant is predicted to result in the amino acid substitution p.Ser85Asn. To our knowledge, this variant has not been reported in the literature or in a large population database, indicating this variant is rare. At this time, the clinical significance of this variant is uncertain due to the absence of conclusive functional and genetic evidence.

NM_182931.3(KMT2E):c.254G>A (p.Ser85Asn)

Gene: KMT2E (lysine methyltransferase 2E (inactive); plus strand). Cytogenetic location: 7q22.3.
Variant type: single nucleotide variant.
Coding change: c.254G>A on transcript NM_182931.3 (MANE Select); coding-DNA position 254, G replaced by A.
Protein change: p.Ser85Asn; replaces serine 85 with asparagine.
Molecular consequence: missense variant.
Genome position (GRCh38, 1-based): chr7:105,063,418, G>A. VCF-style: chr7-105063418-G-A. GRCh37 (hg19) VCF-style: chr7-104703865-G-A.
Other names: c.254G>A, p.Ser85Asn (NM_001410908.1, NM_018682.4); short protein forms S85N.
Identifiers: ClinVar variation 3347935 (VCV003347935.3).
Genomic context (GRCh38, chr7:105,063,418, plus strand): 5'-ATTATGGTGCTCGTCCTCCTCCGACACCTCCGGCTTCCCCTCCTCCATCAGTCCTTATTA[G>A]CAAAAATGAAGTAGGCATATTTACCACTCCTAATTTTGATGAAACTTCCAGTGCTACTAC-3'
Protein context (NP_891847.1, residues 75-95): PASPPPSVLI[Ser85Asn]KNEVGIFTTP